The following is an entry in ClinVar:

NM_020778.5(ALPK3):c.4643A>G (p.Glu1548Gly)

Gene: ALPK3 (alpha kinase 3; plus strand). Cytogenetic location: 15q25.3.
Variant type: single nucleotide variant.
Coding change: c.4643A>G on transcript NM_020778.5 (MANE Select); coding-DNA position 4643, A replaced by G.
Protein change: p.Glu1548Gly; replaces glutamic acid 1548 with glycine.
Molecular consequence: missense variant.
Genome position (GRCh38, 1-based): chr15:84,864,585, A>G. VCF-style: chr15-84864585-A-G. GRCh37 (hg19) VCF-style: chr15-85407816-A-G.
Other names: short protein forms E1548G.
Identifiers: ClinVar variation 4798472 (VCV004798472.1).
Genomic context (GRCh38, chr15:84,864,585, plus strand): 5'-AGTCTTACTGTTCTCGGGAATGGGGCTGTGCTGAGGCTCCGACAGCATCTGGCAGCTCTG[A>G]GGCCATGCAGAAATGCCAGACCTTCCAACACTGGCTGTATCAGTGGACAAATGGCAGCTT-3'
Protein context (NP_065829.4, residues 1538-1558): AEAPTASGSS[Glu1548Gly]AMQKCQTFQH

ClinVar aggregate classification (germline): Uncertain significance (1 of 4 stars; one submission).

gnomAD v4.1: 11 of 1,614,232 alleles (0.00068%); highest among the groups gnomAD compares: African/African-American, 0.0013%; no homozygotes.

Submission:

Labcorp Genetics (formerly Invitae), Labcorp
Classification: Uncertain significance. Last evaluated: 2025-02-26. Review status: criteria provided, single submitter. Criteria: Invitae Variant Classification Sherloc (09022015). Collection method: clinical testing. Allele origin: germline.
Comment: This sequence change replaces glutamic acid, which is acidic and polar, with glycine, which is neutral and non-polar, at codon 1750 of the ALPK3 protein (p.Glu1750Gly). This variant is present in population databases (no rsID available, gnomAD 0.0009%). This variant has not been reported in the literature in individuals affected with ALPK3-related conditions. Invitae Evidence Modeling of protein sequence and biophysical properties (such as structural, functional, and spatial information, amino acid conservation, physicochemical variation, residue mobility, and thermodynamic stability) indicates that this missense variant is expected to disrupt ALPK3 protein function with a positive predictive value of 80%. In summary, the available evidence is currently insufficient to determine the role of this variant in disease. Therefore, it has been classified as a Variant of Uncertain Significance.